The following is an entry in ClinVar:

ClinVar aggregate classification (germline): Benign/Likely benign. Review status: criteria provided, multiple submitters, no conflicts (2 of 4 stars). 5 submissions from 5 submitters: Benign (1); Likely benign (4). Last evaluated 2025-07-31.

Conditions:
Familial adenomatous polyposis 1 (FAP1). Also called: FAMILIAL ADENOMATOUS POLYPOSIS 1, ATTENUATED; POLYPOSIS, ADENOMATOUS INTESTINAL. Identifiers: MedGen C2713442, MONDO:0021056, OMIM 175100. Disease mechanism: loss of function.
Classic or attenuated familial adenomatous polyposis. Identifiers: MedGen CN372698, MONDO:0021057.
Hereditary cancer-predisposing syndrome. Also called: Neoplastic Syndromes, Hereditary; Tumor predisposition; Hereditary Cancer Syndrome; Hereditary neoplastic syndrome. Identifiers: Orphanet 140162, MedGen C0027672, MeSH D009386, MONDO:0015356.

gnomAD v4.1: 4 of 1,614,168 alleles (0.00025%); highest among the groups gnomAD compares: African/African-American, 0.0027%; no homozygotes.

Submissions (5):

Labcorp Genetics (formerly Invitae), Labcorp
Classification: Likely benign for Familial adenomatous polyposis 1. Last evaluated: 2025-07-31. Review status: criteria provided, single submitter. Criteria: Invitae Variant Classification Sherloc (09022015). Collection method: clinical testing. Allele origin: germline.

Myriad Genetics, Inc.
Classification: Benign for Familial adenomatous polyposis 1. Last evaluated: 2024-03-12. Review status: criteria provided, single submitter. Criteria: Myriad Autosomal Dominant, Autosomal Recessive and X-Linked Classification Criteria (2023). Collection method: clinical testing. Allele origin: unknown.
Comment: This variant is considered benign. This variant is a silent/synonymous amino acid change and it is not expected to impact splicing.

All of Us Research Program, National Institutes of Health
Classification: Likely benign for Classic or attenuated familial adenomatous polyposis. Last evaluated: 2024-01-11. Review status: criteria provided, single submitter. Criteria: ACMG Guidelines, 2015. Collection method: clinical testing. Allele origin: germline. Inheritance: Autosomal dominant inheritance. Observed: 1 variant allele, 1 heterozygote.
Comment: This study involves interpretation of variants in research participants for the purpose of population health screening. Participant phenotype was not available at the time of variant classification. Additional details can be found in publication PMID: 35346344, PMCID: PMC8962531

Ambry Genetics
Classification: Likely benign for Hereditary cancer-predisposing syndrome. Last evaluated: 2019-09-06. Review status: criteria provided, single submitter. Criteria: Ambry Variant Classification Scheme 2023. Collection method: clinical testing. Allele origin: germline.

Color Diagnostics, LLC DBA Color Health
Classification: Likely benign for Hereditary cancer-predisposing syndrome. Last evaluated: 2019-07-26. Review status: criteria provided, single submitter. Criteria: ACMG Guidelines, 2015. Collection method: clinical testing. Allele origin: germline.

NM_000038.6(APC):c.2391T>A (p.Gly797=)

Gene: APC (APC regulator of Wnt signaling pathway; plus strand). Cytogenetic location: 5q22.2.
Variant type: single nucleotide variant.
Coding change: c.2391T>A on transcript NM_000038.6 (MANE Select); coding-DNA position 2391, T replaced by A.
Protein change: p.Gly797=; no amino-acid change (glycine 797 retained).
Molecular consequence: synonymous variant.
Genome position (GRCh38, 1-based): chr5:112,837,985, T>A. VCF-style: chr5-112837985-T-A. GRCh37 (hg19) VCF-style: chr5-112173682-T-A.
Other names: c.2391T>A, p.Gly797= (NM_001127510.3, NM_001354895.2); c.2337T>A, p.Gly779= (NM_001127511.3); c.2445T>A, p.Gly815= (NM_001354896.2); c.2421T>A, p.Gly807= (NM_001354897.2); c.2316T>A, p.Gly772= (NM_001354898.2); c.2307T>A, p.Gly769= (NM_001354899.2); c.2268T>A, p.Gly756= (NM_001354900.2); c.2214T>A, p.Gly738= (NM_001354901.2); and 5 more.
Identifiers: ClinVar variation 821199 (VCV000821199.17), dbSNP rs535294819, ClinGen allele CA125167765.